The following is an entry in ClinVar:

ClinVar aggregate classification (germline): Pathogenic/Likely pathogenic. Review status: criteria provided, multiple submitters, no conflicts (2 of 4 stars). 3 submissions from 3 submitters: Pathogenic (1); Likely pathogenic (2). Last evaluated 2026-05-20.

Conditions:
PTPRQ-related disorder. Also called: PTPRQ-related condition.
Monogenic hearing loss.

gnomAD v4.1: 30 of 1,492,018 alleles (0.002%); highest among the groups gnomAD compares: Non-Finnish European, 0.0026%; no homozygotes.

Submissions (3):

Genetics Laboratory, Great Ormond Street Hospital NHS Foundation Trust, North Thames Genomic Laboratory Hub
Classification: Pathogenic for Monogenic hearing loss. Last evaluated: 2026-05-20. Review status: criteria provided, single submitter. Criteria: ACGS Best Practice Guidelines for Variant Classification in Rare Disease 2024 v1.2. Collection method: clinical testing. Allele origin: germline. Affected: yes.
Comment: PM2_moderate, PVS1_very-strong

PreventionGenetics, part of Exact Sciences
Classification: Likely pathogenic for PTPRQ-related condition. Last evaluated: 2026-05-12. Review status: criteria provided, single submitter. Criteria: ACMG Guidelines, 2015. Collection method: clinical testing. Allele origin: germline.
Comment: The PTPRQ c.6025-1G>A variant is predicted to disrupt the AG splice acceptor site and interfere with normal splicing. To our knowledge, this variant has not been reported in the literature. This variant is reported in 0.0076% of alleles in individuals of African descent in gnomAD. Variants that disrupt the consensus splice acceptor site in PTPRQ are expected to be pathogenic. This variant is interpreted as likely pathogenic.

Blueprint Genetics
Classification: Likely pathogenic for PTPRQ-related disorders. Last evaluated: 2023-07-13. Review status: criteria provided, single submitter. Criteria: ACMG Guidelines, 2015. Collection method: clinical testing. Allele origin: germline. Affected: yes. Observed: 3 variant alleles.

NM_001145026.2(PTPRQ):c.6025-1G>A

Gene: PTPRQ (protein tyrosine phosphatase receptor type Q; plus strand). Cytogenetic location: 12q21.31.
Variant type: single nucleotide variant.
Coding change: c.6025-1G>A on transcript NM_001145026.2 (MANE Select); the canonical splice acceptor site of the intron before coding-DNA position 6025, G replaced by A.
Molecular consequence: splice acceptor variant.
Genome position (GRCh38, 1-based): chr12:80,652,743, G>A. VCF-style: chr12-80652743-G-A. GRCh37 (hg19) VCF-style: chr12-81046522-G-A.
Other names: c.6025-1G>A (NM_001145026.1).
Identifiers: ClinVar variation 4871721 (VCV004871721.3).